The following is an entry in ClinVar:

ClinVar aggregate classification (germline): Uncertain significance. Review status: criteria provided, multiple submitters, no conflicts (2 of 4 stars). 4 submissions from 4 submitters: Uncertain significance (3). 1 of the submissions does not count toward it. Last evaluated 2025-06-24.

Conditions:
Inborn genetic diseases. Identifiers: MedGen C0950123, MeSH D030342.
Neonatal encephalomyopathy-cardiomyopathy-respiratory distress syndrome. Also called: Coenzyme Q10 deficiency, primary, 7. Identifiers: Orphanet 457185, MedGen C5568562, MONDO:0014562, OMIM 616276.
COQ4-related disorder. Also called: COQ4-related condition.

Allele frequency attached by ClinVar (database versions not stated): gnomAD 0.00002; gnomAD exomes 0.00022 and 0.00004; ESP Exome Variant Server 0.00008; TOPMed 0.00009; ExAC 0.00013.

Submissions (4):

GeneDx
Classification: Uncertain significance. Last evaluated: 2025-06-24. Review status: criteria provided, single submitter. Criteria: GeneDx Variant Classification Process June 2021. Collection method: clinical testing. Allele origin: germline. Affected: yes.
Comment: In silico analysis supports that this missense variant has a deleterious effect on protein structure/function; Has not been previously published as pathogenic or benign to our knowledge

Labcorp Genetics (formerly Invitae), Labcorp
Classification: Uncertain significance for Neonatal encephalomyopathy-cardiomyopathy-respiratory distress syndrome. Last evaluated: 2022-08-20. Review status: criteria provided, single submitter. Criteria: Invitae Variant Classification Sherloc (09022015). Collection method: clinical testing. Allele origin: germline.
Comment: This sequence change replaces methionine, which is neutral and non-polar, with valine, which is neutral and non-polar, at codon 194 of the COQ4 protein (p.Met194Val). This variant is present in population databases (rs150739190, gnomAD 0.2%). This variant has not been reported in the literature in individuals affected with COQ4-related conditions. ClinVar contains an entry for this variant (Variation ID: 542774). Algorithms developed to predict the effect of missense changes on protein structure and function are either unavailable or do not agree on the potential impact of this missense change (SIFT: "Deleterious"; PolyPhen-2: "Probably Damaging"; Align-GVGD: "Class C15"). In summary, the available evidence is currently insufficient to determine the role of this variant in disease. Therefore, it has been classified as a Variant of Uncertain Significance.

Ambry Genetics
Classification: Uncertain significance for Inborn genetic diseases. Last evaluated: 2021-04-22. Review status: criteria provided, single submitter. Criteria: Ambry Variant Classification Scheme 2023. Collection method: clinical testing. Allele origin: germline.

PreventionGenetics, part of Exact Sciences
Classification: Likely benign for COQ4-related condition. Last evaluated: 2022-10-31. Review status: no assertion criteria provided. Collection method: clinical testing. Allele origin: germline. Not counted in ClinVar's aggregate classification.
Comment: This variant is classified as likely benign based on ACMG/AMP sequence variant interpretation guidelines (Richards et al. 2015 PMID: 25741868, with internal and published modifications).

NM_016035.5(COQ4):c.580A>G (p.Met194Val)

Gene: COQ4 (coenzyme Q4; plus strand). Cytogenetic location: 9q34.11.
Variant type: single nucleotide variant.
Coding change: c.580A>G on transcript NM_016035.5 (MANE Select); coding-DNA position 580, A replaced by G.
Protein change: p.Met194Val; replaces methionine 194 with valine.
Molecular consequence: missense variant. On other transcripts: intron variant (1).
Genome position (GRCh38, 1-based): chr9:128,332,897, A>G. VCF-style: chr9-128332897-A-G. GRCh37 (hg19) VCF-style: chr9-131095176-A-G.
Other names: c.580A>G (NM_016035.3); c.3-577A>G (NM_001305942.2); short protein forms M194V.
Identifiers: ClinVar variation 542774 (VCV000542774.8), dbSNP rs150739190, ClinGen allele CA5260628.
Genomic context (GRCh38, chr9:128,332,897, plus strand): 5'-CCCTCACCCACAGGGGAGATCGTGGTGAAATGGTTTGAGGCTGTCCAGACTGGCCTGCCC[A>G]TGTGCATCCTGGGTGCATTCTTTGGACCGATCCGACTTGGCGCTCAGTAAGTTTTCAAGT-3'
Protein context (NP_057119.3, residues 184-204): WFEAVQTGLP[Met194Val]CILGAFFGPI